The following is an entry in ClinVar:

NM_054012.4(ASS1):c.790_791del (p.Gly264fs)

Gene: ASS1 (argininosuccinate synthase 1; plus strand). Cytogenetic location: 9q34.11.
Variant type: Deletion.
Coding change: c.790_791del on transcript NM_054012.4 (MANE Select); coding-DNA positions 790 to 791, 2 bases deleted (GG; older notation c.790_791delGG).
Protein change: p.Gly264fs; shifts the reading frame from glycine 264.
Molecular consequence: frameshift variant.
Genome position (GRCh38, 1-based): chr9:130,480,401-130,480,402, GG deleted; deleting any 2 consecutive bases within chr9:130,480,400-130,480,402 gives the same sequence; the c. name uses the placement nearest the transcript's 3' end. VCF-style (leftmost placement, unchanged base first): chr9-130480399-TGG-T. GRCh37 (hg19) VCF-style: chr9-133355786-TGG-T.
Other names: c.790_791del, p.Gly264fs (NM_000050.4); c.790_791delGG (NM_054012.4); short protein forms G264fs.
Identifiers: ClinVar variation 3384163 (VCV003384163.1).

ClinVar aggregate classification (germline): Pathogenic (0 of 4 stars; one submission).

Conditions:
Citrullinemia. Identifiers: Orphanet 187, MedGen C0175683, MONDO:0015991.

Submission:

Clinical Genetics and Genomics Laboratory, Noor Shahriyar Hospital
Classification: Pathogenic for Citrullinemia. Last evaluated: 2022-03-04. Review status: no assertion criteria provided. Collection method: clinical testing. Allele origin: biparental. Affected: yes.
Comment: The NM_054012 c.790_791delGG, is a nonsense variant in ASS1 which is predicted to result in a premature stop codon at position 264, and likely results in an absent or disrupted protein product (PVS1).

Variant c.790_791delGG (in ASS1 gene) was first seen in persian population with CTLN1 (PMID:35433176)

Literature cited by the submitters: PubMed 35433176.